The following is an entry in ClinVar:

NM_001388492.1(HTT):c.2453A>T (p.Glu818Val)

Gene: HTT (huntingtin; plus strand). Cytogenetic location: 4p16.3.
Variant type: single nucleotide variant.
Coding change: c.2453A>T on transcript NM_001388492.1 (MANE Select); coding-DNA position 2453, A replaced by T.
Protein change: p.Glu818Val; replaces glutamic acid 818 with valine.
Molecular consequence: missense variant.
Genome position (GRCh38, 1-based): chr4:3,132,871, A>T. VCF-style: chr4-3132871-A-T. GRCh37 (hg19) VCF-style: chr4-3134598-A-T.
Other names: c.2459A>T, p.Glu820Val (NM_002111.8); short protein forms E818V, E820V.
Identifiers: ClinVar variation 1441266 (VCV001441266.6), dbSNP rs1446338756, ClinGen allele CA356086973.

ClinVar aggregate classification (germline): Uncertain significance (1 of 4 stars; one submission).

Allele frequency attached by ClinVar (database versions not stated): TOPMed below 0.00001; gnomAD 0.00001.
gnomAD v4.1: 1 of 1,614,018 alleles (0.000062%); highest among the groups gnomAD compares: Non-Finnish European, 0.000085%; no homozygotes.

Submission:

Labcorp Genetics (formerly Invitae), Labcorp
Classification: Uncertain significance. Last evaluated: 2022-06-29. Review status: criteria provided, single submitter. Criteria: Invitae Variant Classification Sherloc (09022015). Collection method: clinical testing. Allele origin: germline.
Comment: In summary, the available evidence is currently insufficient to determine the role of this variant in disease. Therefore, it has been classified as a Variant of Uncertain Significance. Experimental studies and prediction algorithms are not available or were not evaluated, and the functional significance of this variant is currently unknown. This variant has not been reported in the literature in individuals affected with HTT-related conditions. This variant is not present in population databases (gnomAD no frequency). This sequence change replaces glutamic acid, which is acidic and polar, with valine, which is neutral and non-polar, at codon 820 of the HTT protein (p.Glu820Val).